The following is an entry in ClinVar:

NM_006005.3(WFS1):c.2570C>T (p.Thr857Ile)

Gene: WFS1 (wolframin ER transmembrane glycoprotein; plus strand). Cytogenetic location: 4p16.1.
Variant type: single nucleotide variant.
Coding change: c.2570C>T on transcript NM_006005.3 (MANE Select); coding-DNA position 2570, C replaced by T.
Protein change: p.Thr857Ile; replaces threonine 857 with isoleucine.
Molecular consequence: missense variant.
Genome position (GRCh38, 1-based): chr4:6,302,365, C>T. VCF-style: chr4-6302365-C-T. GRCh37 (hg19) VCF-style: chr4-6304092-C-T.
Other names: c.2570C>T, p.Thr857Ile (NM_001145853.1); short protein forms T857I.
Identifiers: ClinVar variation 2442313 (VCV002442313.1), dbSNP rs573202595, ClinGen allele CA2839784.

ClinVar aggregate classification (germline): Uncertain significance (1 of 4 stars; one submission).

Conditions:
Wolfram syndrome 1 (WFS1). Identifiers: Orphanet 3463, MedGen C4551693, MONDO:0009101, OMIM 222300.

Allele frequency attached by ClinVar (database versions not stated): ExAC 0.00002; 1000 Genomes Project 30x 0.00016; 1000 Genomes Project 0.00020.
gnomAD v4.1: 9 of 1,613,102 alleles (0.00056%); highest among the groups gnomAD compares: Admixed American, 0.0017%; no homozygotes.

Submission:

Clinical Genomics, Uppaluri K&H Personalized Medicine Clinic
Classification: Uncertain significance for Wolfram syndrome 1. Review status: criteria provided, single submitter. Criteria: K & H Uppaluri Personalized Medicine Clinic Variant Classification & Assertion Criteria_Updated V.1. Collection method: research. Allele origin: unknown. Inheritance: Autosomal recessive inheritance.
Comment: Potent mutations in WFS1 gene are associated with Wolfram's syndrome, an autosomal recessive condition, which cause diabetes mellitus, diabetes insipidus, deafness and optic atrophy. However no sufficient evidence is found to ascertain the role of this particular variant rs573202595 in Wolfram's syndrome yet.

Literature cited by the submitters: PubMed 20738327; PubMed 33879153; PubMed 12955714; PubMed 18060660; PubMed 20301750; PubMed 17603484.